The following is an entry in ClinVar:

NM_000709.4(BCKDHA):c.288+1G>T

Gene: BCKDHA (branched chain keto acid dehydrogenase E1 subunit alpha; plus strand). Cytogenetic location: 19q13.2.
Variant type: single nucleotide variant.
Coding change: c.288+1G>T on transcript NM_000709.4 (MANE Select); the canonical splice donor site of the intron after coding-DNA position 288, G replaced by T.
Molecular consequence: splice donor variant.
Genome position (GRCh38, 1-based): chr19:41,410,817, G>T. VCF-style: chr19-41410817-G-T. GRCh37 (hg19) VCF-style: chr19-41916722-G-T.
Other names: c.288+1G>T (NM_001164783.2).
Identifiers: ClinVar variation 4814468 (VCV004814468.1).

ClinVar aggregate classification (germline): Pathogenic (1 of 4 stars; one submission).

Conditions:
Maple syrup urine disease type 1A (MSUD1A). Also called: MSUD type 1A. Identifiers: MedGen C1855369, MONDO:0023691, OMIM 248600.

Submission:

Natera, Inc.
Classification: Pathogenic for Maple syrup urine disease type 1A. Last evaluated: 2025-11-15. Review status: criteria provided, single submitter. Criteria: Natera Variant Classification Schema (03/2026). Collection method: clinical testing. Allele origin: germline.
Comment: The c.288+1G>T variant in BCKDHA is a canonical splice donor site variant predicted to affect pre-mRNA splicing, which may result in an abnormal transcript and altered protein product. This variant is expected to result in nonsense mediated decay, truncation, or a dysfunctional protein product. This variant is rare in the general population with a frequency below the threshold expected for the associated phenotype(s). Another variant at this same site results in an alteration predicted to cause a similar molecular effect has been observed in individual(s) with the associated phenotype. Given the available evidence, this variant is classified as Pathogenic.